The following is an entry in ClinVar:

NM_025114.4(CEP290):c.934G>T (p.Glu312Ter)

Gene: CEP290 (centrosomal protein 290; minus strand). Cytogenetic location: 12q21.32.
Variant type: single nucleotide variant.
Coding change: c.934G>T on transcript NM_025114.4 (MANE Select); coding-DNA position 934, G replaced by T.
Protein change: p.Glu312Ter; replaces glutamic acid 312 with a stop codon.
Molecular consequence: nonsense.
Genome position (GRCh38, 1-based): chr12:88,128,954, C>A on the plus strand (G>T on the coding strand, the complement: CEP290 is on the minus strand). VCF-style: chr12-88128954-C-A. GRCh37 (hg19) VCF-style: chr12-88522731-C-A.
Other names: short protein forms E312*.
Identifiers: ClinVar variation 5013976 (VCV005013976.1).

ClinVar aggregate classification (germline): Pathogenic (1 of 4 stars; one submission).

Conditions:
CEP290-related ciliopathy. Also called: CEP290 ciliopathy. Identifiers: MedGen CN305601, MONDO:0100451.

Submission:

Myriad Genetics, Inc.
Classification: Pathogenic for CEP290-related ciliopathy. Last evaluated: 2025-01-17. Review status: criteria provided, single submitter. Criteria: Myriad Autosomal Dominant, Autosomal Recessive and X-Linked Classification Criteria (2023). Collection method: clinical testing. Allele origin: unknown.
Comment: NM_025114.3(CEP290):c.934G>T(E312*) is expected to be pathogenic in the context of CEP290-related disorders. This variant is predicted to lead to an abnormal or absent protein product due to the creation of a premature termination codon in CEP290, a gene where loss-of-function variants are known to be pathogenic. Please note: this variant was assessed in the context of healthy population screening.